The following is an entry in ClinVar:

ClinVar aggregate classification (germline): Pathogenic. Review status: no assertion criteria provided (0 of 4 stars). 2 submissions from 2 submitters: Pathogenic (1). 1 of the submissions does not count toward it. Last evaluated 2006-09-01.

Conditions:
Familial long QT syndrome (RWS). Also called: Romano-Ward syndrome; VENTRICULAR FIBRILLATION WITH PROLONGED QT INTERVAL; Congenital long QT syndrome. Identifiers: Orphanet 768, MedGen C1141890, MONDO:0019171.
Long QT syndrome 1/2, digenic (LQT1/2, DIGENIC). Also called: Long QT syndrome 1/2. Identifiers: MedGen C3277700.

Submissions (2):

OMIM
Classification: Pathogenic for LONG QT SYNDROME 1/2, DIGENIC. Last evaluated: 2006-09-01. Review status: no assertion criteria provided. Collection method: literature only. Allele origin: germline.

Cardiovascular Biomedical Research Unit, Royal Brompton & Harefield NHS Foundation Trust
No classification provided. Condition: Familial long QT syndrome. Review status: no classification provided. Collection method: literature only. Allele origin: germline. Not counted in ClinVar's aggregate classification.
Comment: This variant has been reported as associated with Long QT syndrome in the following publications (PMID:16922724). This is a literature report, and does not necessarily reflect the clinical interpretation of the Imperial College / Royal Brompton Cardiovascular Genetics laboratory.

Literature cited by the submitters: PubMed 16922724 (cited by OMIM and Cardiovascular Biomedical Research Unit, Royal Brompton & Harefield NHS Foundation Trust); PubMed 22581653 (cited by Cardiovascular Biomedical Research Unit, Royal Brompton & Harefield NHS Foundation Trust).

NM_000218.3(KCNQ1):c.728G>C (p.Arg243Pro)

Gene: KCNQ1 (potassium voltage-gated channel subfamily Q member 1; plus strand). Cytogenetic location: 11p15.5.
Variant type: single nucleotide variant.
Coding change: c.728G>C on transcript NM_000218.3 (MANE Select); coding-DNA position 728, G replaced by C.
Protein change: p.Arg243Pro; replaces arginine 243 with proline.
Molecular consequence: missense variant.
Genome position (GRCh38, 1-based): chr11:2,572,057, G>C. VCF-style: chr11-2572057-G-C. GRCh37 (hg19) VCF-style: chr11-2593287-G-C.
Other names: c.728G>C (LRG_287t1); c.728G>C, p.Arg243Pro (NM_001406836.1); c.458G>C, p.Arg153Pro (NM_001406837.1); c.347G>C, p.Arg116Pro (NM_181798.2); short protein forms R243P, R116P, R153P.
Identifiers: ClinVar variation 3150 (VCV000003150.3), dbSNP rs120074196, ClinGen allele CA008027.
Genomic context (GRCh38, chr11:2,572,057, plus strand): 5'-ACCATCTCCTTCGCAGGGGCATCCGCTTCCTGCAGATCCTGAGGATGCTACACGTCGACC[G>C]CCAGGGAGGCACCTGGAGGCTCCTGGGCTCCGTGGTCTTCATCCACCGCCAGGTGGGTGG-3'
Protein context (NP_000209.2, residues 233-253): LQILRMLHVD[Arg243Pro]QGGTWRLLGS